The following is an entry in ClinVar:

ClinVar aggregate classification (germline): Uncertain significance (1 of 4 stars; one submission).

Conditions:
Holoprosencephaly 11 (HPE11). Identifiers: Orphanet 2162, MedGen C3280215, MONDO:0013642, OMIM 614226.

Allele frequency attached by ClinVar (database versions not stated): gnomAD 0.00001; TOPMed 0.00001.
gnomAD v4.1: 2 of 1,614,060 alleles (0.00012%); highest among the groups gnomAD compares: Non-Finnish European, 0.000085%; no homozygotes.

Submission:

Labcorp Genetics (formerly Invitae), Labcorp
Classification: Uncertain significance for Holoprosencephaly 11. Last evaluated: 2022-10-17. Review status: criteria provided, single submitter. Criteria: Invitae Variant Classification Sherloc (09022015). Collection method: clinical testing. Allele origin: germline.
Comment: In summary, the available evidence is currently insufficient to determine the role of this variant in disease. Therefore, it has been classified as a Variant of Uncertain Significance. Algorithms developed to predict the effect of missense changes on protein structure and function (SIFT, PolyPhen-2, Align-GVGD) all suggest that this variant is likely to be disruptive. This variant has not been reported in the literature in individuals affected with CDON-related conditions. This variant is present in population databases (no rsID available, gnomAD 0.007%). This sequence change replaces asparagine, which is neutral and polar, with serine, which is neutral and polar, at codon 348 of the CDON protein (p.Asn348Ser).

NM_001378964.1(CDON):c.1043A>G (p.Asn348Ser)

Gene: CDON (cell adhesion associated, oncogene regulated; minus strand). Cytogenetic location: 11q24.2.
Variant type: single nucleotide variant.
Coding change: c.1043A>G on transcript NM_001378964.1 (MANE Select); coding-DNA position 1043, A replaced by G.
Protein change: p.Asn348Ser; replaces asparagine 348 with serine.
Molecular consequence: missense variant.
Genome position (GRCh38, 1-based): chr11:126,015,396, T>C on the plus strand (A>G on the coding strand, the complement: CDON is on the minus strand). VCF-style: chr11-126015396-T-C. GRCh37 (hg19) VCF-style: chr11-125885291-T-C.
Other names: c.1043A>G, p.Asn348Ser (NM_001243597.3, NM_016952.6); short protein forms N348S.
Identifiers: ClinVar variation 2917486 (VCV002917486.3), dbSNP rs1348564968, ClinGen allele CA383210278.